The following is an entry in ClinVar:

ClinVar aggregate classification (germline): Pathogenic (1 of 4 stars; one submission).

Conditions:
Autosomal recessive early-onset Parkinson disease 6 (PARK6). Also called: PARKINSON DISEASE 6, EARLY-ONSET; PINK1-Related Parkinson Disease; PINK1 Type of Young-Onset Parkinson Disease; PARKINSON DISEASE 6, MODIFIER OF. Identifiers: Orphanet 2828, MedGen C1853833, MONDO:0011613, OMIM 605909.

Submission:

Labcorp Genetics (formerly Invitae), Labcorp
Classification: Pathogenic for Autosomal recessive early-onset Parkinson disease 6. Last evaluated: 2023-04-09. Review status: criteria provided, single submitter. Criteria: Invitae Variant Classification Sherloc (09022015). Collection method: clinical testing. Allele origin: germline.
Comment: For these reasons, this variant has been classified as Pathogenic. Algorithms developed to predict the effect of sequence changes on RNA splicing suggest that this variant may disrupt the consensus splice site. This variant has not been reported in the literature in individuals affected with PINK1-related conditions. This variant is not present in population databases (gnomAD no frequency). This sequence change creates a premature translational stop signal (p.Gly386Cysfs*14) in the PINK1 gene. It is expected to result in an absent or disrupted protein product. Loss-of-function variants in PINK1 are known to be pathogenic (PMID: 15087508, 15349870).

Literature cited by the submitters: PubMed 15087508; PubMed 15349870.

NM_032409.3(PINK1):c.1155_1156insTGCCCGCGTCCCTTTCTCCATAAAATTCTTCTTAGTAGCTA (p.Gly386delinsCysProArgProPheLeuHisLysIleLeuLeuSerSerTer)

Genes: PINK1 (PTEN induced kinase 1; plus strand), PINK1-AS (PINK1 antisense RNA; minus strand). Cytogenetic location: 1p36.12.
Variant type: Insertion.
Coding change: c.1155_1156insTGCCCGCGTCCCTTTCTCCATAAAATTCTTCTTAGTAGCTA on transcript NM_032409.3 (MANE Select); coding-DNA positions 1155 to 1156, TGCCCGCGTCCCTTTCTCCATAAAATTCTTCTTAGTAGCTA inserted.
Protein change: p.Gly386delinsCysProArgProPheLeuHisLysIleLeuLeuSerSerTer.
Molecular consequence: nonsense. On other transcripts: non-coding transcript variant (1).
Genome position: GRCh38: chr1:20,648,536-20,648,537. GRCh37 (hg19): chr1:20,975,029-20,975,030.
Identifiers: ClinVar variation 2854318 (VCV002854318.3), dbSNP rs2545264595, ClinGen allele CA2739272352.